The following is an entry in ClinVar:

NM_001134363.3(RBM20):c.2501dup (p.Asp834fs)

Gene: RBM20 (RNA binding motif protein 20; plus strand). Cytogenetic location: 10q25.2.
Variant type: Duplication.
Coding change: c.2501dup on transcript NM_001134363.3 (MANE Select); coding-DNA position 2501, one base duplicated (A; older notation c.2501dupA).
Protein change: p.Asp834fs; shifts the reading frame from aspartic acid 834.
Molecular consequence: frameshift variant.
Genome position (GRCh38, 1-based): chr10:110,812,898, A duplicated. VCF-style (leftmost placement, unchanged base first): chr10-110812897-G-GA. GRCh37 (hg19) VCF-style: chr10-112572655-G-GA.
Other names: c.2501dup (LRG_382t1); short protein forms D834fs.
Identifiers: ClinVar variation 202078 (VCV000202078.2), dbSNP rs794729159, ClinGen allele CA335580.

ClinVar aggregate classification (germline): Likely pathogenic (1 of 4 stars; one submission).

Submission:

GeneDx
Classification: Likely pathogenic. Last evaluated: 2013-11-01. Review status: criteria provided, single submitter. Criteria: GeneDx Variant Classification (06012015). Collection method: clinical testing. Allele origin: germline. Affected: yes.
Comment: The c.2501dupA variant in the RBM20 gene has not been reported to our knowledge. This variant causes a shift in reading frame starting at codon Aspartic acid 834, changing it to a Glutamic acid, and creating a premature stop codon at position 6 of the new reading frame, denoted p.Asp834GlufsX6. This variant is expected to result in either an abnormal, truncated protein product or loss of protein from this allele through nonsense-mediated mRNA decay. However, no other frameshift variants in the RBM20 gene have been reported in association with cardiomyopathy. With the clinical and molecular information available at this time, we cannot definitively determine if c.2501dupA is a pathogenic variant or a rare benign variant.